The following is an entry in ClinVar:

NM_201596.3(CACNB2):c.-17G>T

Gene: CACNB2 (calcium voltage-gated channel auxiliary subunit beta 2; plus strand). Cytogenetic location: 10p12.33.
Variant type: single nucleotide variant.
Coding change: c.-17G>T on transcript NM_201596.3 (MANE Select); 17 bases upstream of the start codon, G replaced by T.
Molecular consequence: 5 prime UTR variant.
Genome position (GRCh38, 1-based): chr10:18,140,720, G>T. VCF-style: chr10-18140720-G-T. GRCh37 (hg19) VCF-style: chr10-18429649-G-T.
Other names: c.-17G>T (NM_201597.3, NM_201593.3); c.-460G>T (NM_001167945.2, NM_201571.4, NM_201572.4).
Identifiers: ClinVar variation 516098 (VCV000516098.3), dbSNP rs762313883, ClinGen allele CA5429319.

ClinVar aggregate classification (germline): Benign (1 of 4 stars; one submission).

Allele frequency attached by ClinVar (database versions not stated): gnomAD 0.00007 and 0.00008; 1000 Genomes Project 30x 0.00016; gnomAD exomes 0.00030; ExAC 0.00035; TOPMed 0.00006.
gnomAD v4.1: 80 of 1,585,822 alleles (0.005%); highest among the groups gnomAD compares: East Asian, 0.17%; no homozygotes.

Submission:

GeneDx
Classification: Benign. Last evaluated: 2017-05-25. Review status: criteria provided, single submitter. Criteria: GeneDx Variant Classification (06012015). Collection method: clinical testing. Allele origin: germline. Affected: yes.
Comment: This variant is considered likely benign or benign based on one or more of the following criteria: it is a conservative change, it occurs at a poorly conserved position in the protein, it is predicted to be benign by multiple in silico algorithms, and/or has population frequency not consistent with disease.